The following is an entry in ClinVar:

ClinVar aggregate classification (germline): Uncertain significance. Review status: criteria provided, multiple submitters, no conflicts (2 of 4 stars). 2 submissions from 2 submitters: Uncertain significance (2). Last evaluated 2022-10-05.

Conditions:
Cardiovascular phenotype. Identifiers: MedGen CN230736.

Submissions (2):

GeneDx
Classification: Uncertain significance. Last evaluated: 2022-10-05. Review status: criteria provided, single submitter. Criteria: GeneDx Variant Classification Process June 2021. Collection method: clinical testing. Allele origin: germline. Affected: yes.
Comment: Not observed at significant frequency in large population cohorts (gnomAD); In silico analysis supports that this missense variant does not alter protein structure/function; Has not been previously published as pathogenic or benign to our knowledge

Ambry Genetics
Classification: Uncertain significance for Cardiovascular phenotype. Last evaluated: 2018-12-29. Review status: criteria provided, single submitter. Criteria: Ambry Variant Classification Scheme 2023. Collection method: clinical testing. Allele origin: germline.
Comment: The p.L216R variant (also known as c.647T>G), located in coding exon 1 of the KCND3 gene, results from a T to G substitution at nucleotide position 647. The leucine at codon 216 is replaced by arginine, an amino acid with dissimilar properties. This amino acid position is well conserved in available vertebrate species. In addition, this alteration is predicted to be deleterious by in silico analysis. Since supporting evidence is limited at this time, the clinical significance of this alteration remains unclear.

NM_001378969.1(KCND3):c.647T>G (p.Leu216Arg)

Gene: KCND3 (potassium voltage-gated channel subfamily D member 3; minus strand). Cytogenetic location: 1p13.2.
Variant type: single nucleotide variant.
Coding change: c.647T>G on transcript NM_001378969.1 (MANE Select); coding-DNA position 647, T replaced by G.
Protein change: p.Leu216Arg; replaces leucine 216 with arginine.
Molecular consequence: missense variant.
Genome position (GRCh38, 1-based): chr1:111,982,080, A>C on the plus strand (T>G on the coding strand, the complement: KCND3 is on the minus strand). VCF-style: chr1-111982080-A-C. GRCh37 (hg19) VCF-style: chr1-112524702-A-C.
Other names: c.647T>G, p.Leu216Arg (NM_001378970.1, NM_004980.5, NM_172198.3); short protein forms L216R.
Identifiers: ClinVar variation 1753758 (VCV001753758.3), dbSNP rs2525702481, ClinGen allele CA341821671.